The following is an entry in ClinVar:

ClinVar aggregate classification (germline): Pathogenic/Likely pathogenic. Review status: criteria provided, multiple submitters, no conflicts (2 of 4 stars). 14 submissions from 14 submitters: Pathogenic (10); Likely pathogenic (2). 2 of the submissions do not count toward it. Last evaluated 2025-12-21.

Conditions:
Enhanced S-cone syndrome (ESCS). Identifiers: Orphanet 53540, MedGen C1849394, MONDO:0100288, MONDO:0009989.
Retinitis pigmentosa 37 (RP37). Identifiers: Orphanet 791, MedGen C1970163, MONDO:0012625, OMIM 611131.
Retinal dystrophy. Also called: Inherited retinal dystrophy. Identifiers: Orphanet 71862, MedGen C0854723, MeSH D058499, MONDO:0019118, HP:0000556.
NR2E3-related disorder. Also called: NR2E3-related condition; NR2E3-related disorders. Identifiers: MedGen CN239387.
Retinitis pigmentosa (RP). Identifiers: Orphanet 791, MedGen C0035334, MeSH D012174, MONDO:0019200, OMIM 268000. Inheritance: Autosomal dominant, autosomal recessive and X linked inheritance.
ENHANCED S-CONE SYNDROME 1 (ESCS1). Also called: RETINOSCHISIS WITH EARLY HEMERALOPIA; FAVRE HYALOIDEORETINAL DEGENERATION. Identifiers: MedGen CN380299, OMIM 268100.

Allele frequency attached by ClinVar (database versions not stated): gnomAD 0.00001; gnomAD exomes 0.00002; TOPMed 0.00003; ExAC 0.00006.
gnomAD v4.1: 29 of 1,551,278 alleles (0.0019%); highest among the groups gnomAD compares: East Asian, 0.0098%; no homozygotes.

Submissions (14):

Labcorp Genetics (formerly Invitae), Labcorp
Classification: Pathogenic. Last evaluated: 2025-12-21. Review status: criteria provided, single submitter. Criteria: Invitae Variant Classification Sherloc (09022015). Collection method: clinical testing. Allele origin: germline.
Comment: This sequence change replaces arginine, which is basic and polar, with glutamine, which is neutral and polar, at codon 104 of the NR2E3 protein (p.Arg104Gln). The frequency data for this variant in the population databases is considered unreliable, as metrics indicate poor data quality at this position in the gnomAD database. This missense change has been observed in individual(s) with clinical features of autosomal recessive enhanced S-cone syndrome (PMID: 16225923, 23374571, 27522502; internal data). In at least one individual the data is consistent with being in trans (on the opposite chromosome) from a pathogenic variant. ClinVar contains an entry for this variant (Variation ID: 438228). Invitae Evidence Modeling of protein sequence and biophysical properties (such as structural, functional, and spatial information, amino acid conservation, physicochemical variation, residue mobility, and thermodynamic stability) indicates that this missense variant is expected to disrupt NR2E3 protein function with a positive predictive value of 80%. Experimental studies have shown that this missense change affects NR2E3 function (PMID: 19898638). This variant disrupts the p.Arg104 amino acid residue in NR2E3. Other variant(s) that disrupt this residue have been determined to be pathogenic (PMID: 15459973, 18436841, 19823680, 19898638, 25079116; internal data). This suggests that this residue is clinically significant, and that variants that disrupt this residue are likely to be disease-causing. For these reasons, this variant has been classified as Pathogenic.

PreventionGenetics, part of Exact Sciences
Classification: Pathogenic for NR2E3-related condition. Last evaluated: 2025-07-10. Review status: criteria provided, single submitter. Criteria: ACMG Guidelines, 2015. Collection method: clinical testing. Allele origin: germline.
Comment: The NR2E3 c.311G>A variant is predicted to result in the amino acid substitution p.Arg104Gln. This variant has been reported in the compound heterozygous state, homozygous state, or along with a second NR2E3 variant (phase unknown) in individuals who presented with enhanced S-cone syndrome (ESCS), retinitis pigmentosa, or retinal dystrophy (for example, Supplementary Table S2, Carrs et al. 2017. PubMed ID: 28041643; Table S8, Koyanagi et al. 2019. PubMed ID: 31213501; Hayashi et al. 2005. PubMed ID: 16225923; Kuniyoshi et al. 2016. PubMed ID: 27522502). In vitro analyses of this variant indicated that the p.Arg104Gln variant results in an NR2E3 protein that has reduced interaction with CRX (Kanda and Swaroop. 2009. PubMed ID: 19898638; Roduit et al. 2009. PubMed ID: 19823680). Another variant affecting the same amino acid position, c.310C>T, p.(Arg104Trp), has been reported in the homozygous state or along with another NR2E3 variant in multiple individuals with enhanced S-cone syndrome (ESCS, Haider et al. 2000. PubMed ID: 10655056; Wright et al. 2004. PubMed ID: 15459973; Audo et al. 2008. PubMed ID: 18436841; Hull et al. 2014. PubMed ID: 25079116; de Carvalho et al. 2020. PubMed ID: 32679203). Taken together, this c.311G>A (p.Arg104Gln) variant is interpreted as pathogenic.

Myriad Genetics, Inc.
Classification: Likely pathogenic for ENHANCED S-CONE SYNDROME 1. Last evaluated: 2025-05-23. Review status: criteria provided, single submitter. Criteria: Myriad Autosomal Dominant, Autosomal Recessive and X-Linked Classification Criteria (2023). Collection method: clinical testing. Allele origin: unknown.
Comment: NM_014249.2(NR2E3):c.311G>A(R104Q) is a missense variant classified as likely pathogenic in the context of enhanced S-cone syndrome. R104Q has been observed in cases with relevant disease (PMID: 16225923, 23374571, 27522502, 32679203). Relevant functional assessments of this variant are not available in the literature. R104Q has been observed in referenced population frequency databases. In summary, NM_014249.2(NR2E3):c.311G>A(R104Q) is a missense variant that has been observed more frequently in cases with the relevant disease than in healthy populations. Please note: this variant was assessed in the context of healthy population screening.

Natera, Inc.
Classification: Pathogenic for Enhanced S cone syndrome. Last evaluated: 2025-03-31. Review status: criteria provided, single submitter. Criteria: Natera Variant Classification Schema (03/2026). Collection method: clinical testing. Allele origin: germline.
Comment: The c.311G>A variant in NR2E3 is a missense variant predicted to cause substitution of arginine to glutamine at amino acid 104. This variant is rare in the general population with a frequency below the threshold expected for the associated phenotype(s). This variant has been observed in one or more individuals affected with the associated recessive disease, as either homozygous or compound heterozygous with a second variant (PMID: 32679203, 29276052, 29276052). Additionally, this variant has been observed to segregate in affected family members (PMID: 33513943). A different variant at the same position has been determined to be Pathogenic or Likely Pathogenic. Computational prediction algorithms indicate this variant is likely to affect gene or protein function. Given the available evidence, this variant is classified as Pathogenic.

Revvity Omics, Revvity
Classification: Pathogenic. Last evaluated: 2024-12-27. Review status: criteria provided, single submitter. Criteria: ACMG Guidelines, 2015. Collection method: clinical testing. Allele origin: germline.

Blueprint Genetics
Classification: Pathogenic for NR2E3-related disorders. Last evaluated: 2024-11-19. Review status: criteria provided, single submitter. Criteria: ACMG Guidelines, 2015. Collection method: clinical testing. Allele origin: germline. Affected: yes. Observed: 4 variant alleles.

Lab De Baere, Eye and Developmental Genetics Lab, Ghent University
Classification: Pathogenic for Retinitis pigmentosa. Last evaluated: 2024-10-01. Review status: criteria provided, single submitter. Criteria: ACMG Guidelines, 2015. Collection method: research. Allele origin: inherited. Affected: yes. Observed: 1 variant allele.
Comment: ACMG/AMP guidelines: PM2, PS3, PP1, PM3_PS

Baylor Genetics
Classification: Pathogenic for ENHANCED S-CONE SYNDROME 1. Last evaluated: 2024-02-15. Review status: criteria provided, single submitter. Criteria: ACMG Guidelines, 2015. Collection method: clinical testing. Allele origin: unknown.

Dept Of Ophthalmology, Nagoya University
Classification: Likely pathogenic for Retinal dystrophy. Last evaluated: 2023-10-01. Review status: criteria provided, single submitter. Criteria: Submitter's publication. Collection method: research. Allele origin: germline. Affected: yes.

Institute of Human Genetics, University of Leipzig Medical Center
Classification: Pathogenic for Retinitis pigmentosa 37. Last evaluated: 2022-04-25. Review status: criteria provided, single submitter. Criteria: ACMG Guidelines, 2015. Collection method: clinical testing. Allele origin: unknown. Affected: yes.
Comment: _x000D_This variant was identified as compound heterozygous with NM_014249.4:c.230G>A Criteria applied: PM3_VSTR, PS3_MOD, PM2_SUP

CeGaT Center for Human Genetics Tuebingen
Classification: Pathogenic. Last evaluated: 2021-08-01. Review status: criteria provided, single submitter. Criteria: CeGaT Center For Human Genetics Tuebingen Variant Classification Criteria Version 2. Collection method: clinical testing. Allele origin: germline. Affected: yes. Observed: 1 variant allele.

Kariminejad - Najmabadi Pathology & Genetics Center
Classification: Pathogenic for ENHANCED S-CONE SYNDROME 1. Review status: criteria provided, single submitter. Criteria: ACMG Guidelines, 2015. Collection method: clinical testing. Allele origin: germline. Affected: no.

Sharon lab, Hadassah-Hebrew University Medical Center
Classification: Likely pathogenic for Retinitis pigmentosa. Last evaluated: 2019-06-23. Review status: no assertion criteria provided. Collection method: research. Allele origin: inherited. Affected: yes. Not counted in ClinVar's aggregate classification.

NIHR Bioresource Rare Diseases, University of Cambridge
Classification: Likely pathogenic for Retinal dystrophy. Last evaluated: 2015-01-01. Review status: no assertion criteria provided. Collection method: research. Allele origin: unknown. Affected: yes. Observed: 1 variant allele. Not counted in ClinVar's aggregate classification.

Literature cited by the submitters: PubMed 16225923 (cited by Labcorp Genetics (formerly Invitae), Labcorp and Myriad Genetics, Inc.); PubMed 23374571 (cited by Labcorp Genetics (formerly Invitae), Labcorp and Myriad Genetics, Inc.); PubMed 27522502 (cited by Labcorp Genetics (formerly Invitae), Labcorp and Myriad Genetics, Inc.); PubMed 19898638 (cited by Labcorp Genetics (formerly Invitae), Labcorp); PubMed 15459973 (cited by Labcorp Genetics (formerly Invitae), Labcorp); PubMed 18436841 (cited by Labcorp Genetics (formerly Invitae), Labcorp); PubMed 19823680 (cited by Labcorp Genetics (formerly Invitae), Labcorp); PubMed 25079116 (cited by Labcorp Genetics (formerly Invitae), Labcorp); PubMed 32679203 (cited by Myriad Genetics, Inc. and Natera, Inc.); PubMed 29276052 (cited by Natera, Inc.); PubMed 33513943 (cited by Natera, Inc.); PubMed 28041643 (cited by NIHR Bioresource Rare Diseases, University of Cambridge).

NM_014249.4(NR2E3):c.311G>A (p.Arg104Gln)

Gene: NR2E3 (nuclear receptor subfamily 2 group E member 3; plus strand). Cytogenetic location: 15q23.
Variant type: single nucleotide variant.
Coding change: c.311G>A on transcript NM_014249.4 (MANE Select); coding-DNA position 311, G replaced by A.
Protein change: p.Arg104Gln; replaces arginine 104 with glutamine.
Molecular consequence: missense variant.
Genome position (GRCh38, 1-based): chr15:71,811,831, G>A. VCF-style: chr15-71811831-G-A. GRCh37 (hg19) VCF-style: chr15-72104171-G-A.
Other names: c.311G>A, p.Arg104Gln (NM_016346.4); c.311G>A (NM_014249.2); short protein forms R104Q.
Identifiers: ClinVar variation 438228 (VCV000438228.55), dbSNP rs766096417, ClinGen allele CA7640282.